The following is an entry in ClinVar:

ClinVar aggregate classification (germline): Uncertain significance (1 of 4 stars; one submission).

Conditions:
Progressive myoclonic epilepsy type 9. Identifiers: Orphanet 457265, MedGen C4225289, MONDO:0014685, OMIM 616540.
Lipodystrophy, partial, acquired, susceptibility to (APLD). Also called: APLD, SUSCEPTIBILITY TO. Identifiers: MedGen C3887501, MONDO:0100476, OMIM 608709.

Allele frequency attached by ClinVar (database versions not stated): ExAC 0.00002; TOPMed below 0.00001; gnomAD exomes 0.00001.

Submission:

Labcorp Genetics (formerly Invitae), Labcorp
Classification: Uncertain significance for Progressive myoclonic epilepsy type 9; Lipodystrophy, partial, acquired, susceptibility to. Last evaluated: 2025-05-23. Review status: criteria provided, single submitter. Criteria: Invitae Variant Classification Sherloc (09022015). Collection method: clinical testing. Allele origin: germline.
Comment: This sequence change replaces arginine, which is basic and polar, with cysteine, which is neutral and slightly polar, at codon 311 of the LMNB2 protein (p.Arg311Cys). This variant is present in population databases (rs761255813, gnomAD 0.007%). This variant has not been reported in the literature in individuals affected with LMNB2-related conditions. ClinVar contains an entry for this variant (Variation ID: 1916486). Invitae Evidence Modeling of protein sequence and biophysical properties (such as structural, functional, and spatial information, amino acid conservation, physicochemical variation, residue mobility, and thermodynamic stability) indicates that this missense variant is expected to disrupt LMNB2 protein function with a positive predictive value of 80%. In summary, the available evidence is currently insufficient to determine the role of this variant in disease. Therefore, it has been classified as a Variant of Uncertain Significance.

NM_032737.4(LMNB2):c.931C>T (p.Arg311Cys)

Gene: LMNB2 (lamin B2; minus strand). Cytogenetic location: 19p13.3.
Variant type: single nucleotide variant.
Coding change: c.931C>T on transcript NM_032737.4 (MANE Select); coding-DNA position 931, C replaced by T.
Protein change: p.Arg311Cys; replaces arginine 311 with cysteine.
Molecular consequence: missense variant.
Genome position (GRCh38, 1-based): chr19:2,434,838, G>A on the plus strand (C>T on the coding strand, the complement: LMNB2 is on the minus strand). VCF-style: chr19-2434838-G-A. GRCh37 (hg19) VCF-style: chr19-2434836-G-A.
Other names: short protein forms R311C.
Identifiers: ClinVar variation 1916486 (VCV001916486.5), dbSNP rs761255813, ClinGen allele CA9067675.